The following is an entry in ClinVar:

ClinVar aggregate classification (germline): Uncertain significance (1 of 4 stars; one submission).

Conditions:
Dyskeratosis congenita, autosomal recessive 5 (DKCB5). Identifiers: MedGen C3554656, MONDO:0014076, OMIM 615190.
Pulmonary fibrosis and/or bone marrow failure, Telomere-related, 3. Also called: PULMONARY FIBROSIS AND/OR BONE MARROW FAILURE SYNDROME, TELOMERE-RELATED, 3. Identifiers: Orphanet 2032, MedGen C4225346, MONDO:0014613, OMIM 616373.

Submission:

Labcorp Genetics (formerly Invitae), Labcorp
Classification: Uncertain significance for Dyskeratosis congenita, autosomal recessive 5; Pulmonary fibrosis and/or bone marrow failure, Telomere-related, 3. Last evaluated: 2022-08-07. Review status: criteria provided, single submitter. Criteria: Invitae Variant Classification Sherloc (09022015). Collection method: clinical testing. Allele origin: germline.
Comment: This variant has not been reported in the literature in individuals affected with RTEL1-related conditions. In summary, the available evidence is currently insufficient to determine the role of this variant in disease. Therefore, it has been classified as a Variant of Uncertain Significance. Algorithms developed to predict the effect of missense changes on protein structure and function output the following: SIFT: "Tolerated"; PolyPhen-2: "Benign"; Align-GVGD: "Class C0". The proline amino acid residue is found in multiple mammalian species, which suggests that this missense change does not adversely affect protein function. This variant is not present in population databases (gnomAD no frequency). This sequence change replaces arginine, which is basic and polar, with proline, which is neutral and non-polar, at codon 1138 of the RTEL1 protein (p.Arg1138Pro).

NM_001283009.2(RTEL1):c.3413G>C (p.Arg1138Pro)

Genes: RTEL1 (regulator of telomere elongation helicase 1; plus strand), RTEL1-TNFRSF6B (RTEL1-TNFRSF6B readthrough (NMD candidate); plus strand). Cytogenetic location: 20q13.33.
Variant type: single nucleotide variant.
Coding change: c.3413G>C on transcript NM_001283009.2 (MANE Select); coding-DNA position 3413, G replaced by C.
Protein change: p.Arg1138Pro; replaces arginine 1138 with proline.
Molecular consequence: missense variant. On other transcripts: non-coding transcript variant (1).
Genome position (GRCh38, 1-based): chr20:63,695,135, G>C. VCF-style: chr20-63695135-G-C. GRCh37 (hg19) VCF-style: chr20-62326488-G-C.
Other names: c.2744G>C, p.Arg915Pro (NM_001283010.1); c.3413G>C, p.Arg1138Pro (NM_016434.4); c.3485G>C, p.Arg1162Pro (NM_032957.5); short protein forms R1162P, R915P, R1138P.
Identifiers: ClinVar variation 1901243 (VCV001901243.5), dbSNP rs756727783, ClinGen allele CA409685380.